The following is an entry in ClinVar:

NM_001378454.1(ALMS1):c.5746G>T (p.Glu1916Ter)

Gene: ALMS1 (ALMS1 centrosome and basal body associated protein; plus strand). Cytogenetic location: 2p13.1.
Variant type: single nucleotide variant.
Coding change: c.5746G>T on transcript NM_001378454.1 (MANE Select); coding-DNA position 5746, G replaced by T.
Protein change: p.Glu1916Ter; replaces glutamic acid 1916 with a stop codon.
Molecular consequence: nonsense.
Genome position (GRCh38, 1-based): chr2:73,452,273, G>T. VCF-style: chr2-73452273-G-T. GRCh37 (hg19) VCF-style: chr2-73679400-G-T.
Other names: c.5749G>T, p.Glu1917Ter (NM_015120.4); short protein forms E1917*, E1916*.
Identifiers: ClinVar variation 2751846 (VCV002751846.3), dbSNP rs2466106355, ClinGen allele CA347283176.

ClinVar aggregate classification (germline): Pathogenic (1 of 4 stars; one submission).

Conditions:
Alstrom syndrome (ALMS). Identifiers: Orphanet 64, MedGen C0268425, MONDO:0008763, OMIM 203800.

Submission:

Labcorp Genetics (formerly Invitae), Labcorp
Classification: Pathogenic for Alstrom syndrome. Last evaluated: 2023-08-11. Review status: criteria provided, single submitter. Criteria: Invitae Variant Classification Sherloc (09022015). Collection method: clinical testing. Allele origin: germline.
Comment: This sequence change creates a premature translational stop signal (p.Glu1917*) in the ALMS1 gene. It is expected to result in an absent or disrupted protein product. Loss-of-function variants in ALMS1 are known to be pathogenic (PMID: 17594715). For these reasons, this variant has been classified as Pathogenic. This variant has not been reported in the literature in individuals affected with ALMS1-related conditions. This variant is not present in population databases (gnomAD no frequency).

Literature cited by the submitters: PubMed 17594715.